The following is an entry in ClinVar:

NM_032119.4(ADGRV1):c.12697A>C (p.Ser4233Arg)

Gene: ADGRV1 (adhesion G protein-coupled receptor V1; plus strand). Cytogenetic location: 5q14.3.
Variant type: single nucleotide variant.
Coding change: c.12697A>C on transcript NM_032119.4 (MANE Select); coding-DNA position 12697, A replaced by C.
Protein change: p.Ser4233Arg; replaces serine 4233 with arginine.
Molecular consequence: missense variant. On other transcripts: non-coding transcript variant (1).
Genome position (GRCh38, 1-based): chr5:90,778,457, A>C. VCF-style: chr5-90778457-A-C. GRCh37 (hg19) VCF-style: chr5-90074274-A-C.
Other names: short protein forms S4233R.
Identifiers: ClinVar variation 960327 (VCV000960327.17), dbSNP rs770802961, ClinGen allele CA3341320.

ClinVar aggregate classification (germline): Conflicting classifications of pathogenicity. Review status: criteria provided, conflicting classifications (1 of 4 stars). 5 submissions from 5 submitters: Uncertain significance (2); Likely benign (3). Last evaluated 2026-10-02.

Conditions:
ADGRV1-related disorder. Also called: ADGRV1-related condition; ADGRV1-related disorders.
Inborn genetic diseases. Identifiers: MedGen C0950123, MeSH D030342.

Allele frequency attached by ClinVar (database versions not stated): gnomAD exomes 0.00011; ExAC 0.00007; TOPMed 0.00008.
gnomAD v4.1: 32 of 1,612,810 alleles (0.002%); highest among the groups gnomAD compares: Admixed American, 0.048%; no homozygotes.

Submissions (5):

GeneDx
Classification: Uncertain significance. Last evaluated: 2026-10-02. Review status: criteria provided, single submitter. Criteria: GeneDx Variant Classification Process June 2021. Collection method: clinical testing. Allele origin: germline.
Comment: In silico analysis suggests that this missense variant does not alter protein structure/function; Has not been previously published as pathogenic or benign to our knowledge

PreventionGenetics, part of Exact Sciences
Classification: Uncertain significance for ADGRV1-related condition. Last evaluated: 2026-05-27. Review status: criteria provided, single submitter. Criteria: ACMG Guidelines, 2015. Collection method: clinical testing. Allele origin: germline.
Comment: The ADGRV1 c.12697A>C variant is predicted to result in the amino acid substitution p.Ser4233Arg. To our knowledge, this variant has not been reported in the literature. This variant is reported in 0.079% of alleles in individuals of Latino descent in gnomAD. Although we suspect that this variant may be benign, at this time, the clinical significance of this variant is uncertain due to the absence of conclusive functional and genetic evidence.

Labcorp Genetics (formerly Invitae), Labcorp
Classification: Likely benign. Last evaluated: 2026-01-01. Review status: criteria provided, single submitter. Criteria: Invitae Variant Classification Sherloc (09022015). Collection method: clinical testing. Allele origin: germline.

Ambry Genetics
Classification: Likely benign for Inborn genetic diseases. Last evaluated: 2023-10-25. Review status: criteria provided, single submitter. Criteria: Ambry Variant Classification Scheme 2023. Collection method: clinical testing. Allele origin: germline.

Blueprint Genetics
Classification: Likely benign. Last evaluated: 2020-11-18. Review status: criteria provided, single submitter. Criteria: ACMG Guidelines, 2015. Collection method: clinical testing. Allele origin: germline.